The following is an entry in ClinVar:

NM_004415.4(DSP):c.2106C>T (p.Ile702=)

Gene: DSP (desmoplakin; plus strand). Cytogenetic location: 6p24.3.
Variant type: single nucleotide variant.
Coding change: c.2106C>T on transcript NM_004415.4 (MANE Select); coding-DNA position 2106, C replaced by T.
Protein change: p.Ile702=; no amino-acid change (isoleucine 702 retained).
Molecular consequence: synonymous variant.
Genome position (GRCh38, 1-based): chr6:7,572,044, C>T. VCF-style: chr6-7572044-C-T. GRCh37 (hg19) VCF-style: chr6-7572277-C-T.
Other names: c.2106C>T, p.Ile702= (NM_001008844.3, NM_001319034.2).
Identifiers: ClinVar variation 3069633 (VCV003069633.1), dbSNP rs752986545, ClinGen allele CA448525614.
Genomic context (GRCh38, chr6:7,572,044, plus strand): 5'-CGAGGGCAGGATGACTCTCAAAAACCTCCCTCTAGCAGACCAGGGATCTTCTCACCACAT[C>T]ACAGTGAAAATTAACGAGCTTAAGGTAGGTATCTGCTAGTATTTTGCCTGGTTACCCTGT-3'
Protein context (NP_004406.2, residues 692-712): PLADQGSSHH[Ile702=]TVKINELKSV

ClinVar aggregate classification (germline): Uncertain significance (1 of 4 stars; one submission).

Conditions:
Arrhythmogenic cardiomyopathy with wooly hair and keratoderma. Also called: Carvajal syndrome; PALMOPLANTAR KERATODERMA WITH LEFT VENTRICULAR CARDIOMYOPATHY AND WOOLLY HAIR; Dilated cardiomyopathy with woolly hair and keratoderma; Arrhythmogenic cardiomyopathy with woolly hair and keratoderma. Identifiers: Orphanet 65282, MedGen C1854063, MONDO:0011581, OMIM 605676.

gnomAD v4.1: 2 of 1,614,160 alleles (0.00012%); highest among the groups gnomAD compares: Non-Finnish European, 0.000085%; no homozygotes.

Submission:

All of Us Research Program, National Institutes of Health
Classification: Uncertain significance for Arrhythmogenic cardiomyopathy with wooly hair and keratoderma. Last evaluated: 2023-02-24. Review status: criteria provided, single submitter. Criteria: ACMG Guidelines, 2015. Collection method: clinical testing. Allele origin: germline. Inheritance: Autosomal dominant inheritance. Observed: 1 variant allele, 1 heterozygote.
Comment: This variant is located in the DSP protein. To our knowledge, functional studies have not been reported for this variant. This variant has not been reported in individuals affected with DSP-related disorders in the literature. This variant has been identified in 1/251064 chromosomes in the general population by the Genome Aggregation Database (gnomAD). The available evidence is insufficient to determine the role of this variant in disease conclusively. Therefore, this variant is classified as a Variant of Uncertain Significance.

This study involves interpretation of variants in research participants for the purpose of population health screening. Participant phenotype was not available at the time of variant classification. Additional details can be found in publication PMID: 35346344, PMCID: PMC8962531